The following is an entry in ClinVar:

ClinVar aggregate classification (germline): Likely benign (1 of 4 stars; one submission).

Allele frequency attached by ClinVar (database versions not stated): 1000 Genomes Project 30x 0.00219; 1000 Genomes Project 0.00240; ESP Exome Variant Server 0.00350; ExAC 0.00550.

Submissions (15):

CeGaT Center for Human Genetics Tuebingen
Classification: Likely benign. Last evaluated: 2022-10-01. Review status: criteria provided, single submitter. Criteria: CeGaT Center For Human Genetics Tuebingen Variant Classification Criteria Version 2. Collection method: clinical testing. Allele origin: germline. Affected: yes. Observed: 2 variant alleles.
Comment: CDHR3: BP4, BS2

Dr. Peter K. Rogan Lab, Western University
No classification provided (evidence only). Condition: Clear cell carcinoma of kidney. Review status: no classification provided. Collection method: in vitro. Allele origin: not applicable. Functional consequence: retained intron. Not counted in ClinVar's aggregate classification.

Dr. Peter K. Rogan Lab, Western University
No classification provided (evidence only). Condition: Papillary renal cell carcinoma type 1. Review status: no classification provided. Collection method: in vitro. Allele origin: not applicable. Functional consequence: retained intron. Not counted in ClinVar's aggregate classification.

Dr. Peter K. Rogan Lab, Western University
No classification provided (evidence only). Condition: Lung cancer. Review status: no classification provided. Collection method: in vitro. Allele origin: not applicable. Functional consequence: retained intron. Not counted in ClinVar's aggregate classification.

Dr. Peter K. Rogan Lab, Western University
No classification provided (evidence only). Condition: Lung cancer. Review status: no classification provided. Collection method: in vitro. Allele origin: not applicable. Functional consequence: retained intron. Not counted in ClinVar's aggregate classification.

Dr. Peter K. Rogan Lab, Western University
No classification provided (evidence only). Condition: Lung cancer. Review status: no classification provided. Collection method: in vitro. Allele origin: not applicable. Functional consequence: retained intron. Not counted in ClinVar's aggregate classification.

Dr. Peter K. Rogan Lab, Western University
No classification provided (evidence only). Condition: Familial cancer of breast. Review status: no classification provided. Collection method: in vitro. Allele origin: not applicable. Functional consequence: retained intron. Not counted in ClinVar's aggregate classification.

Dr. Peter K. Rogan Lab, Western University
No classification provided (evidence only). Condition: Colorectal cancer. Review status: no classification provided. Collection method: in vitro. Allele origin: not applicable. Functional consequence: retained intron. Not counted in ClinVar's aggregate classification.

Dr. Peter K. Rogan Lab, Western University
No classification provided (evidence only). Condition: Uterine corpus endometrial carcinoma. Review status: no classification provided. Collection method: in vitro. Allele origin: not applicable. Functional consequence: retained intron. Not counted in ClinVar's aggregate classification.

Dr. Peter K. Rogan Lab, Western University
No classification provided (evidence only). Condition: Sarcoma. Review status: no classification provided. Collection method: in vitro. Allele origin: not applicable. Functional consequence: retained intron. Not counted in ClinVar's aggregate classification.

Dr. Peter K. Rogan Lab, Western University
No classification provided (evidence only). Condition: Hepatocellular carcinoma. Review status: no classification provided. Collection method: in vitro. Allele origin: not applicable. Functional consequence: retained intron. Not counted in ClinVar's aggregate classification.

Dr. Peter K. Rogan Lab, Western University
No classification provided (evidence only). Condition: Nonpapillary renal cell carcinoma. Review status: no classification provided. Collection method: in vitro. Allele origin: not applicable. Functional consequence: retained intron. Not counted in ClinVar's aggregate classification.

Dr. Peter K. Rogan Lab, Western University
No classification provided (evidence only). Condition: Ovarian serous cystadenocarcinoma. Review status: no classification provided. Collection method: in vitro. Allele origin: not applicable. Functional consequence: retained intron. Not counted in ClinVar's aggregate classification.

Dr. Peter K. Rogan Lab, Western University
No classification provided (evidence only). Condition: Ovarian serous cystadenocarcinoma. Review status: no classification provided. Collection method: in vitro. Allele origin: not applicable. Functional consequence: retained intron. Not counted in ClinVar's aggregate classification.

Dr. Peter K. Rogan Lab, Western University
No classification provided (evidence only). Condition: Nonpapillary renal cell carcinoma. Review status: no classification provided. Collection method: in vitro. Allele origin: not applicable. Functional consequence: retained intron. Not counted in ClinVar's aggregate classification.

NM_152750.5(CDHR3):c.1426G>A (p.Ala476Thr)

Gene: CDHR3 (cadherin related family member 3; plus strand). Cytogenetic location: 7q22.3.
Variant type: single nucleotide variant.
Coding change: c.1426G>A on transcript NM_152750.5 (MANE Select); coding-DNA position 1426, G replaced by A.
Protein change: p.Ala476Thr; replaces alanine 476 with threonine.
Molecular consequence: missense variant.
Genome position (GRCh38, 1-based): chr7:106,016,025, G>A. VCF-style: chr7-106016025-G-A. GRCh37 (hg19) VCF-style: chr7-105656471-G-A.
Other names: NC_000007.13:g.105656471G>A; c.1162G>A, p.Ala388Thr (NM_001301161.2); short protein forms A388T, A476T.
Identifiers: ClinVar variation 2657923 (VCV002657923.25), dbSNP rs143495908, ClinGen allele CA4427867.
Genomic context (GRCh38, chr7:106,016,025, plus strand): 5'-GAGTTTCCTCTCATTTTTGATAGGCCATCCTATGTATTTGATGTGTCAGAAAGAAGGCCC[G>A]GTAAGTAACAGATAAGACACAGACCAGAGTGCTGTCAATGGACTCCATCCAAACGTGTGT-3'
Protein context (NP_689963.2, residues 466-486): YVFDVSERRP[Ala476Thr]RTRVGQVRAT